The following is an entry in ClinVar:

NM_016169.4(SUFU):c.799A>C (p.Ser267Arg)

Gene: SUFU (SUFU negative regulator of hedgehog signaling; plus strand). Cytogenetic location: 10q24.32.
Variant type: single nucleotide variant.
Coding change: c.799A>C on transcript NM_016169.4 (MANE Select); coding-DNA position 799, A replaced by C.
Protein change: p.Ser267Arg; replaces serine 267 with arginine.
Molecular consequence: missense variant.
Genome position (GRCh38, 1-based): chr10:102,597,182, A>C. VCF-style: chr10-102597182-A-C. GRCh37 (hg19) VCF-style: chr10-104356939-A-C.
Other names: c.799A>C, p.Ser267Arg (NM_001178133.2); short protein forms S267R.
Identifiers: ClinVar variation 5030380 (VCV005030380.1).
Genomic context (GRCh38, chr10:102,597,182, plus strand): 5'-TTGGTTCTTTTCAAGCAGGAGAGAGTTGACAAAGGCATCGAGACAGATGGCTCCAACCTG[A>C]GTGGTGTCAGTGCCAAGTGTGCCTGGGATGACCTGAGCCGGCCCCCCGAGGATGACGAGG-3'
Protein context (NP_057253.2, residues 257-277): KGIETDGSNL[Ser267Arg]GVSAKCAWDD

ClinVar aggregate classification (germline): Uncertain significance (1 of 4 stars; one submission).

Conditions:
Hereditary cancer-predisposing syndrome. Also called: Neoplastic Syndromes, Hereditary; Tumor predisposition; Hereditary neoplastic syndrome; Hereditary Cancer Syndrome. Identifiers: Orphanet 140162, MedGen C0027672, MeSH D009386, MONDO:0015356.

Submission:

Ambry Genetics
Classification: Uncertain significance for Hereditary cancer-predisposing syndrome. Last evaluated: 2026-07-06. Review status: criteria provided, single submitter. Criteria: Ambry Variant Classification Scheme 2023. Collection method: clinical testing. Allele origin: germline.
Comment: The p.S267R variant (also known as c.799A>C), located in coding exon 7 of the SUFU gene, results from an A to C substitution at nucleotide position 799. The serine at codon 267 is replaced by arginine, an amino acid with dissimilar properties. This amino acid position is conserved. In addition, this alteration is predicted to be deleterious by in silico analysis. Based on the available evidence, the clinical significance of this variant remains unclear.